The following is an entry in ClinVar:

NM_017617.5(NOTCH1):c.1442G>T (p.Gly481Val)

Gene: NOTCH1 (notch receptor 1; minus strand). Cytogenetic location: 9q34.3.
Variant type: single nucleotide variant.
Coding change: c.1442G>T on transcript NM_017617.5 (MANE Select); coding-DNA position 1442, G replaced by T.
Protein change: p.Gly481Val; replaces glycine 481 with valine.
Molecular consequence: missense variant.
Genome position (GRCh38, 1-based): chr9:136,517,385, C>A on the plus strand (G>T on the coding strand, the complement: NOTCH1 is on the minus strand). VCF-style: chr9-136517385-C-A. GRCh37 (hg19) VCF-style: chr9-139411837-C-A.
Other names: short protein forms G481V.
Identifiers: ClinVar variation 1436764 (VCV001436764.6), dbSNP rs2133367544, ClinGen allele CA375562685.

ClinVar aggregate classification (germline): Uncertain significance (1 of 4 stars; one submission).

Conditions:
Adams-Oliver syndrome 5 (AOS5). Identifiers: Orphanet 974, MedGen C4014970, MONDO:0014459, OMIM 616028.

Submission:

Labcorp Genetics (formerly Invitae), Labcorp
Classification: Uncertain significance for Adams-Oliver syndrome 5. Last evaluated: 2021-11-12. Review status: criteria provided, single submitter. Criteria: Invitae Variant Classification Sherloc (09022015). Collection method: clinical testing. Allele origin: germline.
Comment: This sequence change replaces glycine, which is neutral and non-polar, with valine, which is neutral and non-polar, at codon 481 of the NOTCH1 protein (p.Gly481Val). This variant is not present in population databases (gnomAD no frequency). This variant has not been reported in the literature in individuals affected with NOTCH1-related conditions. Algorithms developed to predict the effect of missense changes on protein structure and function (SIFT, PolyPhen-2, Align-GVGD) all suggest that this variant is likely to be disruptive. In summary, the available evidence is currently insufficient to determine the role of this variant in disease. Therefore, it has been classified as a Variant of Uncertain Significance.